The following is an entry in ClinVar:

ClinVar aggregate classification (germline): Uncertain significance (1 of 4 stars; one submission).

Conditions:
Majeed syndrome (MJDS). Also called: CHRONIC RECURRENT MULTIFOCAL OSTEOMYELITIS 1, WITH CONGENITAL DYSERYTHROPOIETIC ANEMIA, WITH OR WITHOUT NEUTROPHILIC DERMATOSIS; LPIN2-Related Majeed Syndrome. Identifiers: Orphanet 77297, MedGen C1864997, MONDO:0012316, OMIM 609628.

Submission:

Labcorp Genetics (formerly Invitae), Labcorp
Classification: Uncertain significance for Majeed syndrome. Last evaluated: 2016-12-08. Review status: criteria provided, single submitter. Criteria: Invitae Variant Classification Sherloc (09022015). Collection method: clinical testing. Allele origin: germline.
Comment: This sequence change replaces alanine with glycine at codon 195 of the LPIN2 protein (p.Ala195Gly). The alanine residue is weakly conserved and there is a small physicochemical difference between alanine and glycine. In summary, this variant is a novel missense change that is not predicted to affect protein function. There is no indication that it causes disease, but the available evidence is currently insufficient to prove that conclusively. Therefore, it has been classified as a Variant of Uncertain Significance. Algorithms developed to predict the effect of missense changes on protein structure and function (SIFT, PolyPhen-2, Align-GVGD) all suggest that this variant is likely to be tolerated, but these predictions have not been confirmed by published functional studies. This variant is not present in population databases (ExAC no frequency) and has not been reported in the literature in individuals with a LPIN2-related disease.

NM_001375808.2(LPIN2):c.584C>G (p.Ala195Gly)

Gene: LPIN2 (lipin 2; minus strand). Cytogenetic location: 18p11.31.
Variant type: single nucleotide variant.
Coding change: c.584C>G on transcript NM_001375808.2 (MANE Select); coding-DNA position 584, C replaced by G.
Protein change: p.Ala195Gly; replaces alanine 195 with glycine.
Molecular consequence: missense variant.
Genome position (GRCh38, 1-based): chr18:2,951,061, G>C on the plus strand (C>G on the coding strand, the complement: LPIN2 is on the minus strand). VCF-style: chr18-2951061-G-C. GRCh37 (hg19) VCF-style: chr18-2951059-G-C.
Other names: c.584C>G, p.Ala195Gly (NM_001375809.1, NM_014646.2); short protein forms A195G.
Identifiers: ClinVar variation 468459 (VCV000468459.9), dbSNP rs1226336598, ClinGen allele CA401708750.
Genomic context (GRCh38, chr18:2,951,061, plus strand): 5'-TTCACATGAACTCTAGGTACCCGCACAAGACCCTTCCCAGGCTGAGAGTCCTACCGTGCT[G>C]CCTGGGCCCCCTTGTCATCATCGGAGCTCACGCCTACATCACATGTGTCTTCTGCAGCAG-3'
Protein context (NP_001362737.1, residues 185-205): VSSDDDKGAQ[Ala195Gly]ARGSSNASLK